The following is an entry in ClinVar:

ClinVar aggregate classification (germline): Uncertain significance (1 of 4 stars; one submission).

Allele frequency attached by ClinVar (database versions not stated): TOPMed 0.00004; gnomAD exomes 0.00005 and 0.00006; ExAC 0.00006; gnomAD 0.00007.
gnomAD v4.1: 86 of 1,614,006 alleles (0.0053%); highest among the groups gnomAD compares: Non-Finnish European, 0.0058%; no homozygotes.

Submission:

Labcorp Genetics (formerly Invitae), Labcorp
Classification: Uncertain significance. Last evaluated: 2026-01-29. Review status: criteria provided, single submitter. Criteria: Invitae Variant Classification Sherloc (09022015). Collection method: clinical testing. Allele origin: germline.
Comment: This sequence change replaces arginine, which is basic and polar, with cysteine, which is neutral and slightly polar, at codon 299 of the OTULIN protein (p.Arg299Cys). This variant is present in population databases (rs771800109, gnomAD 0.01%). This variant has not been reported in the literature in individuals affected with OTULIN-related conditions. ClinVar contains an entry for this variant (Variation ID: 1441619). Invitae Evidence Modeling of protein sequence and biophysical properties (such as structural, functional, and spatial information, amino acid conservation, physicochemical variation, residue mobility, and thermodynamic stability) indicates that this missense variant is not expected to disrupt OTULIN protein function with a negative predictive value of 80%. In summary, the available evidence is currently insufficient to determine the role of this variant in disease. Therefore, it has been classified as a Variant of Uncertain Significance.

NM_138348.6(OTULIN):c.895C>T (p.Arg299Cys)

Gene: OTULIN (OTU deubiquitinase with linear linkage specificity; plus strand). Cytogenetic location: 5p15.2.
Variant type: single nucleotide variant.
Coding change: c.895C>T on transcript NM_138348.6 (MANE Select); coding-DNA position 895, C replaced by T.
Protein change: p.Arg299Cys; replaces arginine 299 with cysteine.
Molecular consequence: missense variant.
Genome position (GRCh38, 1-based): chr5:14,692,884, C>T. VCF-style: chr5-14692884-C-T. GRCh37 (hg19) VCF-style: chr5-14692993-C-T.
Other names: short protein forms R299C.
Identifiers: ClinVar variation 1441619 (VCV001441619.5), dbSNP rs771800109, ClinGen allele CA3208706.